The following is an entry in ClinVar:

NM_138387.4(G6PC3):c.-152T>C

Gene: G6PC3 (glucose-6-phosphatase catalytic subunit 3; plus strand). Cytogenetic location: 17q21.31.
Variant type: single nucleotide variant.
Coding change: c.-152T>C on transcript NM_138387.4 (MANE Select); 152 bases upstream of the start codon, T replaced by C.
Molecular consequence: 5 prime UTR variant. On other transcripts: intron variant (1).
Genome position (GRCh38, 1-based): chr17:44,070,814, T>C. VCF-style: chr17-44070814-T-C. GRCh37 (hg19) VCF-style: chr17-42148182-T-C.
Other names: c.-556T>C (NM_001384165.1); c.-691T>C (NM_001384166.1); c.-681T>C (NM_001384167.1); c.-312+100T>C (NM_001384168.1).
Identifiers: ClinVar variation 323458 (VCV000323458.5), dbSNP rs149756661, ClinGen allele CA8595854.

ClinVar aggregate classification (germline): Benign (1 of 4 stars; one submission).

Conditions:
Autosomal recessive severe congenital neutropenia due to G6PC3 deficiency. Also called: NEUTROPENIA, SEVERE CONGENITAL, 4, AUTOSOMAL RECESSIVE; G6PC3 Deficiency. Identifiers: Orphanet 331176, MedGen C2751630, MONDO:0012930, OMIM 612541.

Allele frequency attached by ClinVar (database versions not stated): ExAC 0.00234; gnomAD 0.01194 and 0.01300; 1000 Genomes Project 30x 0.01015; TOPMed 0.01140; gnomAD exomes 0.00111 and 0.00229; 1000 Genomes Project 0.00938.

Submission:

Illumina Laboratory Services, Illumina
Classification: Benign for Autosomal recessive severe congenital neutropenia due to G6PC3 deficiency. Last evaluated: 2018-01-12. Review status: criteria provided, single submitter. Criteria: ICSL Variant Classification Criteria 13 December 2019. Collection method: clinical testing. Allele origin: germline.
Comment: This variant was observed in the ICSL laboratory as part of a predisposition screen in an ostensibly healthy population. It had not been previously curated by ICSL or reported in the Human Gene Mutation Database (HGMD: prior to June 1st, 2018), and was therefore a candidate for classification through an automated scoring system. Utilizing variant allele frequency, disease prevalence and penetrance estimates, and inheritance mode, an automated score was calculated to assess if this variant is too frequent to cause the disease. Based on the score and internal cut-off values, a variant classified as benign is not then subjected to further curation. The score for this variant resulted in a classification of benign for this disease.